The following is an entry in ClinVar:

NM_000219.6(KCNE1):c.52C>T (p.Gln18Ter)

Gene: KCNE1 (potassium voltage-gated channel subfamily E regulatory subunit 1; minus strand). Cytogenetic location: 21q22.12.
Variant type: single nucleotide variant.
Coding change: c.52C>T on transcript NM_000219.6 (MANE Select); coding-DNA position 52, C replaced by T.
Protein change: p.Gln18Ter; replaces glutamine 18 with a stop codon.
Molecular consequence: nonsense.
Genome position (GRCh38, 1-based): chr21:34,449,583, G>A on the plus strand (C>T on the coding strand, the complement: KCNE1 is on the minus strand). VCF-style: chr21-34449583-G-A. GRCh37 (hg19) VCF-style: chr21-35821881-G-A.
Other names: c.52C>T, p.Gln18Ter (NM_001127668.4, NM_001127669.4, NM_001127670.4 and 4 more transcripts); short protein forms Q18*.
Identifiers: ClinVar variation 3373915 (VCV003373915.2).

Conditions:
Long QT syndrome 5 (LQT5). Identifiers: Orphanet 101016, Orphanet 768, MedGen C1867904, MONDO:0013372, OMIM 613695.

Submission:

Roden Lab, Vanderbilt University Medical Center
No classification provided (evidence only). Condition: Long QT syndrome 5. Review status: no classification provided. Collection method: in vitro. Allele origin: not applicable. Functional consequence: Effect on ion channel function.
ClinVar note: "not provided" was previously submitted as the classification for the variant. However, the classification appeared to be based only on an observation of functional data so it was converted to no classification on 2025-07-30.